The following is an entry in ClinVar:

NM_000271.5(NPC1):c.3558C>T (p.Arg1186=)

Gene: NPC1 (NPC intracellular cholesterol transporter 1; minus strand). Cytogenetic location: 18q11.2.
Variant type: single nucleotide variant.
Coding change: c.3558C>T on transcript NM_000271.5 (MANE Select); coding-DNA position 3558, C replaced by T.
Protein change: p.Arg1186=; no amino-acid change (arginine 1186 retained).
Molecular consequence: synonymous variant.
Genome position (GRCh38, 1-based): chr18:23,534,479, G>A on the plus strand (C>T on the coding strand, the complement: NPC1 is on the minus strand). VCF-style: chr18-23534479-G-A. GRCh37 (hg19) VCF-style: chr18-21114443-G-A.
Other names: c.3558C>T (NM_000271.4).
Identifiers: ClinVar variation 502703 (VCV000502703.12), dbSNP rs141659629, ClinGen allele CA8912732.

ClinVar aggregate classification (germline): Conflicting classifications of pathogenicity. Review status: criteria provided, conflicting classifications (1 of 4 stars). 4 submissions from 4 submitters: Uncertain significance (2); Likely benign (1). 1 of the submissions does not count toward it. Last evaluated 2026-01-28.

Conditions:
NPC1-related disorder. Also called: NPC1-related condition.
Niemann-Pick disease, type C1. Also called: NIEMANN-PICK DISEASE, VARIANT TYPE C1; NEUROVISCERAL STORAGE DISEASE WITH VERTICAL SUPRANUCLEAR OPHTHALMOPLEGIA; NIEMANN-PICK DISEASE WITH CHOLESTEROL ESTERIFICATION BLOCK; NIEMANN-PICK DISEASE WITHOUT SPHINGOMYELINASE DEFICIENCY; NIEMANN-PICK DISEASE, CHRONIC NEURONOPATHIC FORM. Identifiers: Orphanet 646, MedGen C3179455, MONDO:0009757, OMIM 257220.

Allele frequency attached by ClinVar (database versions not stated): gnomAD 0.00011 and 0.00013; TOPMed 0.00014; ESP Exome Variant Server 0.00015.
gnomAD v4.1: 57 of 1,613,842 alleles (0.0035%); highest among the groups gnomAD compares: African/African-American, 0.025%; no homozygotes.

Submissions (4):

Labcorp Genetics (formerly Invitae), Labcorp
Classification: Likely benign for Niemann-Pick disease, type C1. Last evaluated: 2026-01-28. Review status: criteria provided, single submitter. Criteria: Invitae Variant Classification Sherloc (09022015). Collection method: clinical testing. Allele origin: germline.

Fulgent Genetics
Classification: Uncertain significance for Niemann-Pick disease, type C1. Last evaluated: 2018-10-31. Review status: criteria provided, single submitter. Criteria: ACMG Guidelines, 2015. Collection method: clinical testing. Allele origin: unknown.

Eurofins Ntd Llc (ga)
Classification: Uncertain significance. Last evaluated: 2017-06-22. Review status: criteria provided, single submitter. Criteria: EGL Classification Definitions 2015. Collection method: clinical testing. Allele origin: germline. Observed: 1 variant allele, 1 heterozygote.

PreventionGenetics, part of Exact Sciences
Classification: Likely benign for NPC1-related condition. Last evaluated: 2024-09-28. Review status: no assertion criteria provided. Collection method: clinical testing. Allele origin: germline. Not counted in ClinVar's aggregate classification.
Comment: This variant is classified as likely benign based on ACMG/AMP sequence variant interpretation guidelines (Richards et al. 2015 PMID: 25741868, with internal and published modifications).